The following is an entry in ClinVar:

NM_001164508.2(NEB):c.23972dup (p.Thr7992fs)

Genes: NEB (nebulin; minus strand), RIF1 (replication timing regulatory factor 1; plus strand). Cytogenetic location: 2q23.3.
Variant type: Duplication.
Coding change: c.23972dup on transcript NM_001164508.2 (MANE Select); coding-DNA position 23972, one base duplicated (T; older notation c.23972dupT).
Protein change: p.Thr7992fs; shifts the reading frame from threonine 7992.
Molecular consequence: frameshift variant. On other transcripts: intron variant (1).
Genome position (GRCh38, 1-based): chr2:151,501,440, A duplicated on the plus strand (T on the coding strand, the reverse complement: NEB is on the minus strand). VCF-style (leftmost placement, unchanged base first): chr2-151501439-G-GA. GRCh37 (hg19) VCF-style: chr2-152357953-G-GA.
Other names: c.18825+1353dup (NM_004543.5); c.23972dup, p.Thr7992fs (NM_001164507.2); c.24077dup, p.Thr8027fs (NM_001271208.2); short protein forms T7992fs, T8027fs.
Identifiers: ClinVar variation 4852163 (VCV004852163.1).

ClinVar aggregate classification (germline): Likely pathogenic (1 of 4 stars; one submission).

Conditions:
Nemaline myopathy 2 (NEM2). Also called: Nemaline myopathy 2, autosomal recessive. Identifiers: MedGen C1850569, MONDO:0009725, OMIM 256030.

Submission:

Variantyx, Inc.
Classification: Likely pathogenic for Nemaline myopathy 2. Last evaluated: 2026-01-13. Review status: criteria provided, single submitter. Criteria: Variantyx Assertion Criteria 2022. Collection method: clinical testing. Allele origin: germline. Inheritance: Autosomal recessive inheritance.
Comment: This is a frameshift variant in the NEB gene (OMIM: 161650). Pathogenic variants in this gene have been associated with autosomal recessive nemaline myopathy 2. This variant introduces a premature termination codon in exon 168 out of 182 and is expected to result in loss of function, which is a known disease mechanism for NEB in this disorder (PMID:10051637) (PVS1). This variant is absent from control populations (PM2) and it has not been reported in individuals with NEB-related disorders in the databases available for review. Based on the current evidence, this variant is classified as likely pathogenic for autosomal recessive nemaline myopathy 2.

Literature cited by the submitters: PubMed 10051637.